The following is an entry in ClinVar:

NM_022916.6(VPS33A):c.1627C>T (p.Arg543Ter)

Gene: VPS33A (VPS33A core subunit of CORVET and HOPS complexes; minus strand). Cytogenetic location: 12q24.31.
Variant type: single nucleotide variant.
Coding change: c.1627C>T on transcript NM_022916.6 (MANE Select); coding-DNA position 1627, C replaced by T.
Protein change: p.Arg543Ter; replaces arginine 543 with a stop codon.
Molecular consequence: nonsense.
Genome position (GRCh38, 1-based): chr12:122,232,410, G>A on the plus strand (C>T on the coding strand, the complement: VPS33A is on the minus strand). VCF-style: chr12-122232410-G-A. GRCh37 (hg19) VCF-style: chr12-122716957-G-A.
Other names: c.1594C>T, p.Arg532Ter (NM_001351018.2); c.1579C>T, p.Arg527Ter (NM_001351019.2); c.1306C>T, p.Arg436Ter (NM_001351020.2); short protein forms R527*, R436*, R532*, R543*.
Identifiers: ClinVar variation 1473169 (VCV001473169.8), dbSNP rs2136119730, ClinGen allele CA387048976.

ClinVar aggregate classification (germline): Uncertain significance (1 of 4 stars; one submission).

Allele frequency attached by ClinVar (database versions not stated): gnomAD exomes below 0.00001.
gnomAD v4.1: 1 of 1,611,570 alleles (0.000062%); highest among the groups gnomAD compares: Non-Finnish European, 0.000085%; no homozygotes.

Submission:

Labcorp Genetics (formerly Invitae), Labcorp
Classification: Uncertain significance. Last evaluated: 2024-02-17. Review status: criteria provided, single submitter. Criteria: Invitae Variant Classification Sherloc (09022015). Collection method: clinical testing. Allele origin: germline.
Comment: This sequence change creates a premature translational stop signal (p.Arg543*) in the VPS33A gene. While this is not anticipated to result in nonsense mediated decay, it is expected to disrupt the last 54 amino acid(s) of the VPS33A protein. This variant is not present in population databases (gnomAD no frequency). This variant has not been reported in the literature in individuals affected with VPS33A-related conditions. ClinVar contains an entry for this variant (Variation ID: 1473169). Experimental studies and prediction algorithms are not available or were not evaluated, and the functional significance of this variant is currently unknown. In summary, the available evidence is currently insufficient to determine the role of this variant in disease. Therefore, it has been classified as a Variant of Uncertain Significance.